The following is an entry in ClinVar:

ClinVar aggregate classification (germline): Uncertain significance. Review status: criteria provided, multiple submitters, no conflicts (2 of 4 stars). 2 submissions from 2 submitters: Uncertain significance (2). Last evaluated 2021-10-08.

Conditions:
Hereditary spastic paraplegia 54. Also called: Spastic paraplegia 54, autosomal recessive. Identifiers: Orphanet 320380, MedGen C3539495, MONDO:0014018, OMIM 615033.

Allele frequency attached by ClinVar (database versions not stated): gnomAD 0.00002 and 0.00004; gnomAD exomes 0.00002 and 0.00004; ExAC 0.00003; TOPMed 0.00006; ESP Exome Variant Server 0.00008.
gnomAD v4.1: 61 of 1,613,176 alleles (0.0038%); highest among the groups gnomAD compares: Non-Finnish European, 0.0046%; no homozygotes.

Submissions (2):

Labcorp Genetics (formerly Invitae), Labcorp
Classification: Uncertain significance for Hereditary spastic paraplegia 54. Last evaluated: 2021-10-08. Review status: criteria provided, single submitter. Criteria: Invitae Variant Classification Sherloc (09022015). Collection method: clinical testing. Allele origin: germline.
Comment: This sequence change replaces valine with isoleucine at codon 694 of the DDHD2 protein (p.Val694Ile). The valine residue is moderately conserved and there is a small physicochemical difference between valine and isoleucine. This variant is present in population databases (rs370808506, ExAC 0.006%). This variant has not been reported in the literature in individuals affected with DDHD2-related conditions. Algorithms developed to predict the effect of missense changes on protein structure and function (SIFT, PolyPhen-2, Align-GVGD) all suggest that this variant is likely to be tolerated. In summary, the available evidence is currently insufficient to determine the role of this variant in disease. Therefore, it has been classified as a Variant of Uncertain Significance.

Institute of Human Genetics, University of Leipzig Medical Center
Classification: Uncertain significance for Hereditary spastic paraplegia 54. Last evaluated: 2019-01-01. Review status: criteria provided, single submitter. Criteria: ACMG Guidelines, 2015. Collection method: clinical testing. Allele origin: unknown. Affected: yes.

NM_015214.3(DDHD2):c.2080G>A (p.Val694Ile)

Gene: DDHD2 (DDHD domain containing 2; plus strand). Cytogenetic location: 8p11.23.
Variant type: single nucleotide variant.
Coding change: c.2080G>A on transcript NM_015214.3 (MANE Select); coding-DNA position 2080, G replaced by A.
Protein change: p.Val694Ile; replaces valine 694 with isoleucine.
Molecular consequence: missense variant. On other transcripts: non-coding transcript variant (2).
Genome position (GRCh38, 1-based): chr8:38,260,065, G>A. VCF-style: chr8-38260065-G-A. GRCh37 (hg19) VCF-style: chr8-38117583-G-A.
Other names: c.2080G>A, p.Val694Ile (NM_001164232.2, NM_001362911.2, NM_001362912.2 and 1 more transcripts); c.1990G>A, p.Val664Ile (NM_001362913.2); short protein forms V664I, V694I.
Identifiers: ClinVar variation 970051 (VCV000970051.5), dbSNP rs370808506, ClinGen allele CA4716451.